The following is an entry in ClinVar:

ClinVar aggregate classification (germline): Uncertain significance. Review status: criteria provided, multiple submitters, no conflicts (2 of 4 stars). 3 submissions from 3 submitters: Uncertain significance (3). Last evaluated 2026-06-27.

Conditions:
Psoriasis 2. Identifiers: MedGen C1864497, MONDO:0011269, OMIM 602723.
Pityriasis rubra pilaris (PRP). Also called: Pityriasis rubra pilaris--familial type. Identifiers: Orphanet 2897, MedGen C0032027, MONDO:0100017, OMIM 173200, MONDO:0008251.
CARD14-related disorder. Also called: CARD14-related condition.

Allele frequency attached by ClinVar (database versions not stated): gnomAD exomes below 0.00001.
gnomAD v4.1: 4 of 1,588,322 alleles (0.00025%); highest among the groups gnomAD compares: Admixed American, 0.0072%; no homozygotes.

Submissions (3):

PreventionGenetics, part of Exact Sciences
Classification: Uncertain significance for CARD14-related condition. Last evaluated: 2026-06-27. Review status: criteria provided, single submitter. Criteria: ACMG Guidelines, 2015. Collection method: clinical testing. Allele origin: germline.
Comment: The CARD14 c.2927G>A variant is predicted to result in the amino acid substitution p.Ser976Asn. To our knowledge, this variant has not been reported in the literature or in a large population database (gnomAD), indicating this variant is rare. At this time, the clinical significance of this variant is uncertain due to the absence of conclusive functional and genetic evidence.

Labcorp Genetics (formerly Invitae), Labcorp
Classification: Uncertain significance for Pityriasis rubra pilaris; Psoriasis 2. Last evaluated: 2024-09-29. Review status: criteria provided, single submitter. Criteria: Invitae Variant Classification Sherloc (09022015). Collection method: clinical testing. Allele origin: germline.
Comment: This sequence change replaces serine, which is neutral and polar, with asparagine, which is neutral and polar, at codon 976 of the CARD14 protein (p.Ser976Asn). This variant is not present in population databases (gnomAD no frequency). This variant has not been reported in the literature in individuals affected with CARD14-related conditions. ClinVar contains an entry for this variant (Variation ID: 1404024). Invitae Evidence Modeling of protein sequence and biophysical properties (such as structural, functional, and spatial information, amino acid conservation, physicochemical variation, residue mobility, and thermodynamic stability) indicates that this missense variant is not expected to disrupt CARD14 protein function with a negative predictive value of 80%. In summary, the available evidence is currently insufficient to determine the role of this variant in disease. Therefore, it has been classified as a Variant of Uncertain Significance.

Blueprint Genetics
Classification: Uncertain significance. Last evaluated: 2022-01-12. Review status: criteria provided, single submitter. Criteria: ACMG Guidelines, 2015. Collection method: clinical testing. Allele origin: germline.

NM_001366385.1(CARD14):c.2927G>A (p.Ser976Asn)

Genes: CARD14 (caspase recruitment domain family member 14; plus strand), SGSH (N-sulfoglucosamine sulfohydrolase; minus strand). Cytogenetic location: 17q25.3.
Variant type: single nucleotide variant.
Coding change: c.2927G>A on transcript NM_001366385.1 (MANE Select); coding-DNA position 2927, G replaced by A.
Protein change: p.Ser976Asn; replaces serine 976 with asparagine.
Molecular consequence: missense variant. On other transcripts: non-coding transcript variant (1).
Genome position (GRCh38, 1-based): chr17:80,208,257, G>A. VCF-style: chr17-80208257-G-A. GRCh37 (hg19) VCF-style: chr17-78182056-G-A.
Other names: c.2927G>A, p.Ser976Asn (NM_024110.4); short protein forms S976N.
Identifiers: ClinVar variation 1404024 (VCV001404024.10), dbSNP rs2041460345, ClinGen allele CA401357639.